The following is an entry in ClinVar:

NM_000135.4(FANCA):c.526T>A (p.Ser176Thr)

Gene: FANCA (FA complementation group A; minus strand). Cytogenetic location: 16q24.3.
Variant type: single nucleotide variant.
Coding change: c.526T>A on transcript NM_000135.4 (MANE Select); coding-DNA position 526, T replaced by A.
Protein change: p.Ser176Thr; replaces serine 176 with threonine.
Molecular consequence: missense variant.
Genome position (GRCh38, 1-based): chr16:89,808,364, A>T on the plus strand (T>A on the coding strand, the complement: FANCA is on the minus strand). VCF-style: chr16-89808364-A-T. GRCh37 (hg19) VCF-style: chr16-89874772-A-T.
Other names: c.526T>A, p.Ser176Thr (NM_001018112.3, NM_001286167.3); c.430T>A, p.Ser144Thr (NM_001351830.2); short protein forms S144T, S176T.
Identifiers: ClinVar variation 4022210 (VCV004022210.2).

ClinVar aggregate classification (germline): Uncertain significance. Review status: criteria provided, multiple submitters, no conflicts (2 of 4 stars). 2 submissions from 2 submitters: Uncertain significance (2). Last evaluated 2025-12-17.

Conditions:
Fanconi anemia (FA). Also called: Fanconi's anemia. Identifiers: Orphanet 84, MedGen C0015625, MeSH D005199, MONDO:0019391.
Inborn genetic diseases. Identifiers: MedGen C0950123, MeSH D030342.

Submissions (2):

Labcorp Genetics (formerly Invitae), Labcorp
Classification: Uncertain significance for Fanconi anemia. Last evaluated: 2025-12-17. Review status: criteria provided, single submitter. Criteria: Invitae Variant Classification Sherloc (09022015). Collection method: clinical testing. Allele origin: germline.
Comment: This sequence change replaces serine, which is neutral and polar, with threonine, which is neutral and polar, at codon 176 of the FANCA protein (p.Ser176Thr). This variant is not present in population databases (gnomAD no frequency). This variant has not been reported in the literature in individuals affected with FANCA-related conditions. ClinVar contains an entry for this variant (Variation ID: 4022210). Invitae Evidence Modeling of protein sequence and biophysical properties (such as structural, functional, and spatial information, amino acid conservation, physicochemical variation, residue mobility, and thermodynamic stability) has been performed for this missense variant. However, the output from this modeling did not meet the statistical confidence thresholds required to predict the impact of this variant on FANCA protein function. In summary, the available evidence is currently insufficient to determine the role of this variant in disease. Therefore, it has been classified as a Variant of Uncertain Significance.

Ambry Genetics
Classification: Uncertain significance for Inborn genetic diseases. Last evaluated: 2025-04-19. Review status: criteria provided, single submitter. Criteria: Ambry Variant Classification Scheme 2023. Collection method: clinical testing. Allele origin: germline.
Comment: The p.S176T variant (also known as c.526T>A), located in coding exon 6 of the FANCA gene, results from a T to A substitution at nucleotide position 526. The serine at codon 176 is replaced by threonine, an amino acid with similar properties. This amino acid position is conserved. In addition, this alteration is predicted to be tolerated by in silico analysis. Based on the available evidence, the clinical significance of this variant remains unclear.